The following is an entry in ClinVar:

ClinVar aggregate classification (germline): Uncertain significance. Review status: reviewed by expert panel (3 of 4 stars). 17 submissions from 17 submitters: Uncertain significance (1). 16 of the submissions do not count toward it. Last evaluated 2024-03-05.

Conditions:
Acute rhabdomyolysis. Identifiers: MedGen C3807306, HP:0008942.
Glycogen storage disease, type II (IOPD). Also called: Glucosidase acid-1,4-alpha deficiency; CARDIOMEGALIA GLYCOGENICA DIFFUSA; GLYCOGENOSIS, GENERALIZED, CARDIAC FORM; GSD II; Pompe Disease; Glycogen storage disease type 2. Identifiers: Orphanet 365, MedGen C0017921, MONDO:0009290, OMIM 232300.

Allele frequency attached by ClinVar (database versions not stated): TOPMed 0.00002; ExAC 0.00003; 1000 Genomes Project 30x 0.00016; 1000 Genomes Project 0.00020.
gnomAD v4.1: 45 of 1,613,316 alleles (0.0028%); highest among the groups gnomAD compares: Middle Eastern, 0.033%; no homozygotes.

Submissions 1 to 12 of 17:

ClinGen Lysosomal Storage Disorder Variant Curation Expert Panel
Classification: Uncertain significance for Glycogen storage disease, type II. Last evaluated: 2024-03-05. Review status: reviewed by expert panel. Criteria: clingen_lsd_acmg_specifications_v2-1. Collection method: curation. Allele origin: germline. Inheritance: Autosomal recessive inheritance.
Comment: The NM_000152.5:c.1375G>A variant in GAA is a missense variant predicted to cause substitution of Asp by Asn at amino acid 459 (p.Asp459Asn). The highest population minor allele frequency in gnomAD v2.1.1 is 0.00041 (14/34538 alleles) in the Admixed American population, which is lower than the ClinGen Lysosomal Diseases VCEP’s threshold for PM2_Supporting (<0.001), meeting this criterion (PM2_Supporting). At least 4 patients have been identified with this variant. Two had documented GAA deficiency, one with <30% of normal mean control level of GAA activity in skin fibroblasts (PMID: 21757382; 18458862) and one within affected range in dried blood spot (Clinical diagnostic laboratory). (PP4_Moderate). Of these patients, one was compound heterozygous for the variant and another variant in GAA that has been classified as pathogenic by the ClinGen Lysosomal Diseases Variant Curation Expert Panel, and confirmed to be in trans, c.2173C>T (p.Arg725Trp) (ClinVar Variation ID: 4024, SCV004227911.1). 1 point (PM3). Additional patients had evidence of pseudodeficiency variants with (PMID: 21484825, 28302345). The computational predictor REVEL gives a score of 0.531 which is neither above nor below the thresholds predicting a damaging (>0.7) or benign (<0.5) impact on GAA function. There is a ClinVar entry for this variant (Variation ID: 188480). In summary, this variant meets the criteria to be classified as Uncertain significance for Pompe disease based on the GAA-specific ACMG/AMP criteria applied, as specified by the ClinGen Lysosomal Diseases Variant Curation Expert panel (Specifications Version 2.0): PM2_supporting, PP4_Moderate, PM3. (Classification approved by the ClinGen Lysosomal Diseases Variant Curation Expert Panel on March 5, 2024).

Genomenon, Inc
Classification: Uncertain significance for Glycogen storage disease, type II. Last evaluated: 2026-07-01. Review status: criteria provided, single submitter. Criteria: Genomenon Sequence Variant Interpretation Standards - Updated. Collection method: curation. Allele origin: germline. Affected: yes. Not counted in ClinVar's aggregate classification.
Comment: GAA p.Asp459Asn (c.1375G>A) is a missense variant that changes the amino acid at codon 459 from Aspartic acid to Asparagine. This variant has been observed in at least one proband with a GAA-related disorder (PMID:18458862;21484825;21757382). It is absent or not present at a significant frequency in gnomAD. In conclusion, we classify GAA p.Asp459Asn (c.1375G>A) as a variant of uncertain significance.

Labcorp Genetics (formerly Invitae), Labcorp
Classification: Pathogenic for Glycogen storage disease, type II. Last evaluated: 2026-01-19. Review status: criteria provided, single submitter. Criteria: Invitae Variant Classification Sherloc (09022015). Collection method: clinical testing. Allele origin: germline. Not counted in ClinVar's aggregate classification.
Comment: This sequence change replaces aspartic acid, which is acidic and polar, with asparagine, which is neutral and polar, at codon 459 of the GAA protein (p.Asp459Asn). This variant is present in population databases (rs535644999, gnomAD 0.04%). This missense change has been observed in individual(s) with Pompe disease (PMID: 18458862, 21484825, 21757382). ClinVar contains an entry for this variant (Variation ID: 188480). Invitae Evidence Modeling of protein sequence and biophysical properties (such as structural, functional, and spatial information, amino acid conservation, physicochemical variation, residue mobility, and thermodynamic stability) indicates that this missense variant is expected to disrupt GAA protein function with a positive predictive value of 95%. For these reasons, this variant has been classified as Pathogenic.

Myriad Genetics, Inc.
Classification: Uncertain significance for Glycogen storage disease, type II. Last evaluated: 2025-12-22. Review status: criteria provided, single submitter. Criteria: Myriad Autosomal Dominant, Autosomal Recessive and X-Linked Classification Criteria (2023). Collection method: clinical testing. Allele origin: unknown. Not counted in ClinVar's aggregate classification.
Comment: NM_000152.3(GAA):c.1375G>A(D459N) is a missense variant classified as a variant of uncertain significance in the context of Pompe disease. D459N has been observed in cases with relevant disease (PMID: 28302345, 21757382, 18458862, 21484825, Arroyo_2020_(Abstract)). Relevant functional assessments of this variant are not available in the literature. D459N has been observed in referenced population frequency databases. In summary, there is insufficient evidence to classify NM_000152.3(GAA):c.1375G>A(D459N) as pathogenic or benign. Please note: this variant was assessed in the context of healthy population screening.

CeGaT Center for Human Genetics Tuebingen
Classification: Uncertain significance. Last evaluated: 2025-11-01. Review status: criteria provided, single submitter. Criteria: CeGaT Center For Human Genetics Tuebingen Variant Classification Criteria Version 2. Collection method: clinical testing. Allele origin: germline. Affected: yes. Observed: 1 variant allele. Not counted in ClinVar's aggregate classification.
Comment: GAA: PM2, PM3:Supporting, PM5:Supporting

NHS Central & South Genomic Laboratory Hub
Classification: Likely pathogenic for Acute Rhabdomyolysis. Last evaluated: 2025-10-21. Review status: criteria provided, single submitter. Criteria: ACMG Guidelines, 2015. Collection method: clinical testing. Allele origin: germline. Affected: yes. Not counted in ClinVar's aggregate classification.

Women's Health and Genetics/Laboratory Corporation of America, LabCorp
Classification: Uncertain significance. Last evaluated: 2025-05-23. Review status: criteria provided, single submitter. Criteria: LabCorp Variant Classification Summary - May 2015. Collection method: clinical testing. Allele origin: germline. Not counted in ClinVar's aggregate classification.
Comment: Variant summary: GAA c.1375G>A (p.Asp459Asn) results in a conservative amino acid change in the encoded protein sequence. Algorithms developed to predict the effect of missense changes on protein structure and function are either unavailable or do not agree on the potential impact of this missense change. The variant allele was found at a frequency of 7.2e-05 in 250268 control chromosomes. This frequency is not significantly higher than estimated for a pathogenic variant in GAA causing Glycogen Storage Disease, Type 2 (Pompe Disease) (7.2e-05 vs 0.0042), allowing no conclusion about variant significance. c.1375G>A has been observed in individual(s) affected with Glycogen Storage Disease, Type 2 (Pompe Disease) (Wan_2008, Bali_2011, Yang_GAA_2011 and Sawada_2020). These data indicate that the variant may be associated with disease. To our knowledge, no experimental evidence demonstrating an impact on protein function has been reported. The following publications have been ascertained in the context of this evaluation (PMID: 18458862, 21757382, 21484825, 33073027, 28302345). ClinVar contains an entry for this variant (Variation ID: 188480). Based on the evidence outlined above, the variant was classified as VUS-possibly pathogenic.

Revvity Omics, Revvity
Classification: Uncertain significance. Last evaluated: 2024-08-12. Review status: criteria provided, single submitter. Criteria: ACMG Guidelines, 2015. Collection method: clinical testing. Allele origin: germline. Not counted in ClinVar's aggregate classification.

Blueprint Genetics
Classification: Uncertain significance. Last evaluated: 2024-04-22. Review status: criteria provided, single submitter. Criteria: ACMG Guidelines, 2015. Collection method: clinical testing. Allele origin: germline. Not counted in ClinVar's aggregate classification.

Lildballe Lab, Aarhus University Hospital
Classification: Likely pathogenic for Glycogen storage disease II. Last evaluated: 2024-03-01. Review status: criteria provided, single submitter. Criteria: ACMG Guidelines, 2015. Collection method: research. Allele origin: germline. Affected: no. Not counted in ClinVar's aggregate classification.
Comment: PS1(m), PM5(m), PM2(sup), PM1 (sup)

Fulgent Genetics
Classification: Likely pathogenic for Glycogen storage disease, type II. Last evaluated: 2024-01-10. Review status: criteria provided, single submitter. Criteria: ACMG Guidelines, 2015. Collection method: clinical testing. Allele origin: germline. Not counted in ClinVar's aggregate classification.

Genome-Nilou Lab
Classification: Uncertain significance for Glycogen storage disease, type II. Last evaluated: 2021-09-05. Review status: criteria provided, single submitter. Criteria: ACMG Guidelines, 2015. Collection method: clinical testing. Allele origin: germline. Affected: no. Not counted in ClinVar's aggregate classification.

NM_000152.5(GAA):c.1375G>A (p.Asp459Asn)

Gene: GAA (alpha glucosidase; plus strand). Cytogenetic location: 17q25.3.
Variant type: single nucleotide variant.
Coding change: c.1375G>A on transcript NM_000152.5 (MANE Select); coding-DNA position 1375, G replaced by A.
Protein change: p.Asp459Asn; replaces aspartic acid 459 with asparagine.
Molecular consequence: missense variant.
Genome position (GRCh38, 1-based): chr17:80,109,993, G>A. VCF-style: chr17-80109993-G-A. GRCh37 (hg19) VCF-style: chr17-78083792-G-A.
Other names: NM_000152.5(GAA):c.1375G>A; c.1375G>A, p.Asp459Asn (NM_001079803.3, NM_001079804.3); c.1375G>A (NM_000152.4); short protein forms D459N.
Identifiers: ClinVar variation 188480 (VCV000188480.39), dbSNP rs535644999, ClinGen allele CA198786.